The following is an entry in ClinVar:

NM_174936.4(PCSK9):c.658-8T>C

Gene: PCSK9 (proprotein convertase subtilisin/kexin type 9; plus strand). Cytogenetic location: 1p32.3.
Variant type: single nucleotide variant.
Coding change: c.658-8T>C on transcript NM_174936.4 (MANE Select); 8 bases into the intron before coding-DNA position 658, T replaced by C.
Molecular consequence: intron variant.
Genome position (GRCh38, 1-based): chr1:55,052,642, T>C. VCF-style: chr1-55052642-T-C. GRCh37 (hg19) VCF-style: chr1-55518315-T-C.
Identifiers: ClinVar variation 749288 (VCV000749288.4), dbSNP rs1570301527, ClinGen allele CA915941295.
Genomic context (GRCh38, chr1:55,052,642, plus strand): 5'-CCACCTGCTGATTTGTTATAGGGTGGAGGGGGGGTCTTTCTCATGTGGTCCTTGTGTTCG[T>C]CGAGCAGGCCAGCAAGTGTGACAGTCATGGCACCCACCTGGCAGGGGTGGTCAGCGGCCG-3'

ClinVar aggregate classification (germline): Conflicting classifications of pathogenicity. Review status: criteria provided, conflicting classifications (1 of 4 stars). 2 submissions from 2 submitters: Uncertain significance (1); Likely benign (1). Last evaluated 2023-04-10.

Conditions:
Hypercholesterolemia, autosomal dominant, 3 (FHCL3). Also called: Familial hypercholesterolemia 3; PCSK9-Related Familial Hypercholesterolemia, Autosomal Dominant; Familial Hypercholesterolemia, Autosomal Dominant, 3. Identifiers: MedGen C1863551, MONDO:0011369, OMIM 603776.

Allele frequency attached by ClinVar (database versions not stated): gnomAD exomes below 0.00001.
gnomAD v4.1: 2 of 1,612,762 alleles (0.00012%); highest among the groups gnomAD compares: Non-Finnish European, 0.000085%; no homozygotes.

Submissions (2):

All of Us Research Program, National Institutes of Health
Classification: Uncertain significance for Hypercholesterolemia, autosomal dominant, 3. Last evaluated: 2023-04-10. Review status: criteria provided, single submitter. Criteria: ACMG Guidelines, 2015. Collection method: clinical testing. Allele origin: germline. Inheritance: Autosomal dominant inheritance. Observed: 1 variant allele, 1 heterozygote.
Comment: This variant causes a T to C nucleotide substitution at the -8 position of intron 4 of the PCSK9 gene. Splice site prediction tools are inconclusive regarding the impact of this variant on RNA splicing. To our knowledge, functional studies have not been reported for this variant. This variant has not been reported in individuals affected with PCSK9-related disorders in the literature. This variant has not been identified in the general population by the Genome Aggregation Database (gnomAD). The available evidence is insufficient to determine the role of this variant in disease conclusively. Therefore, this variant is classified as a Variant of Uncertain Significance.

This study involves interpretation of variants in research participants for the purpose of population health screening. Participant phenotype was not available at the time of variant classification. Additional details can be found in publication PMID: 35346344, PMCID: PMC8962531

Labcorp Genetics (formerly Invitae), Labcorp
Classification: Likely benign. Last evaluated: 2018-03-28. Review status: criteria provided, single submitter. Criteria: Invitae Variant Classification Sherloc (09022015). Collection method: clinical testing. Allele origin: germline.